The following is an entry in ClinVar:

ClinVar aggregate classification (germline): Uncertain significance (1 of 4 stars; one submission).

Allele frequency attached by ClinVar (database versions not stated): TOPMed below 0.00001; gnomAD 0.00001.
gnomAD v4.1: 1 of 1,609,022 alleles (0.000062%); highest among the groups gnomAD compares: Admixed American, 0.0017%; no homozygotes.

Submission:

Ambry Genetics
Classification: Uncertain significance. Last evaluated: 2022-10-24. Review status: criteria provided, single submitter. Criteria: Ambry Variant Classification Scheme 2023. Collection method: clinical testing. Allele origin: germline.
Comment: The p.R1178K variant (also known as c.3533G>A), located in coding exon 30 of the PRKDC gene, results from a G to A substitution at nucleotide position 3533. The arginine at codon 1178 is replaced by lysine, an amino acid with highly similar properties. This amino acid position is conserved. In addition, this alteration is predicted to be tolerated by in silico analysis. Since supporting evidence is limited at this time, the clinical significance of this alteration remains unclear.

NM_006904.7(PRKDC):c.3533G>A (p.Arg1178Lys)

Gene: PRKDC (protein kinase, DNA-activated, catalytic subunit; minus strand). Cytogenetic location: 8q11.21.
Variant type: single nucleotide variant.
Coding change: c.3533G>A on transcript NM_006904.7 (MANE Select); coding-DNA position 3533, G replaced by A.
Protein change: p.Arg1178Lys; replaces arginine 1178 with lysine.
Molecular consequence: missense variant.
Genome position (GRCh38, 1-based): chr8:47,897,226, C>T on the plus strand (G>A on the coding strand, the complement: PRKDC is on the minus strand). VCF-style: chr8-47897226-C-T. GRCh37 (hg19) VCF-style: chr8-48809786-C-T.
Other names: c.3533G>A, p.Arg1178Lys (NM_001081640.2); short protein forms R1178K.
Identifiers: ClinVar variation 1732382 (VCV001732382.2), dbSNP rs958685261, ClinGen allele CA176153121.
Genomic context (GRCh38, chr8:47,897,226, plus strand): 5'-AATAAAGGAACGAATTTATAAAAGAGTTCAATGGATTTGTGTCGACATTCTGTCTGGGGC[C>T]TCCCACAATGAGCTAAAAGCCACTTGACCAGATCCAATAAACACAATGATGCGGAAGGTG-3'
Protein context (NP_008835.5, residues 1168-1188): LVKWLLAHCG[Arg1178Lys]PQTECRHKSI